The following is an entry in ClinVar:

ClinVar aggregate classification (germline): Uncertain significance. Review status: criteria provided, multiple submitters, no conflicts (2 of 4 stars). 5 submissions from 5 submitters: Uncertain significance (5). Last evaluated 2025-09-10.

Conditions:
Hereditary cancer-predisposing syndrome. Also called: Hereditary neoplastic syndrome; Tumor predisposition; Hereditary Cancer Syndrome; Neoplastic Syndromes, Hereditary. Identifiers: Orphanet 140162, MedGen C0027672, MeSH D009386, MONDO:0015356.
Familial cancer of breast. Also called: Hereditary breast cancer; hereditary breast carcinoma; BREAST CANCER, FAMILIAL. Identifiers: Orphanet 227535, MedGen C0346153, MONDO:0016419, OMIM 114480. Disease mechanism: loss of function.

Allele frequency attached by ClinVar (database versions not stated): TOPMed below 0.00001.
gnomAD v4.1: 1 of 1,613,178 alleles (0.000062%); no homozygotes.

Submissions (5):

Ambry Genetics
Classification: Uncertain significance for Hereditary cancer-predisposing syndrome. Last evaluated: 2025-09-10. Review status: criteria provided, single submitter. Criteria: Ambry Variant Classification Scheme 2023. Collection method: clinical testing. Allele origin: germline.
Comment: The p.P113A variant (also known as c.337C>G), located in coding exon 4 of the PALB2 gene, results from a C to G substitution at nucleotide position 337. The proline at codon 113 is replaced by alanine, an amino acid with highly similar properties. This amino acid position is conserved. In addition, this alteration is predicted to be tolerated by in silico analysis. Since supporting evidence is limited at this time, the clinical significance of this alteration remains unclear.

Labcorp Genetics (formerly Invitae), Labcorp
Classification: Uncertain significance for Familial cancer of breast. Last evaluated: 2025-04-07. Review status: criteria provided, single submitter. Criteria: Invitae Variant Classification Sherloc (09022015). Collection method: clinical testing. Allele origin: germline.
Comment: This sequence change replaces proline, which is neutral and non-polar, with alanine, which is neutral and non-polar, at codon 113 of the PALB2 protein (p.Pro113Ala). This variant is not present in population databases (gnomAD no frequency). This missense change has been observed in individual(s) with pancreatic neuroendocrine tumor (PMID: 35171259). ClinVar contains an entry for this variant (Variation ID: 492219). An algorithm developed to predict the effect of missense changes on protein structure and function (PolyPhen-2) suggests that this variant is likely to be tolerated. In summary, the available evidence is currently insufficient to determine the role of this variant in disease. Therefore, it has been classified as a Variant of Uncertain Significance.

Color Diagnostics, LLC DBA Color Health
Classification: Uncertain significance for Hereditary cancer-predisposing syndrome. Last evaluated: 2023-12-05. Review status: criteria provided, single submitter. Criteria: ACMG Guidelines, 2015. Collection method: clinical testing. Allele origin: germline.
Comment: This missense variant replaces proline with alanine at codon 113 of the PALB2 protein. Computational prediction suggests that this variant may not impact protein structure and function (internally defined REVEL score threshold <= 0.5, PMID: 27666373). To our knowledge, functional studies have not been reported for this variant. This variant has not been reported in individuals affected with PALB2-related disorders in the literature. This variant has not been identified in the general population by the Genome Aggregation Database (gnomAD). The available evidence is insufficient to determine the role of this variant in disease conclusively. Therefore, this variant is classified as a Variant of Uncertain Significance.

GeneDx
Classification: Uncertain significance. Last evaluated: 2021-11-05. Review status: criteria provided, single submitter. Criteria: GeneDx Variant Classification Process June 2021. Collection method: clinical testing. Allele origin: germline. Affected: yes.
Comment: Not observed at significant frequency in large population cohorts (Lek 2016); In silico analysis supports that this missense variant does not alter protein structure/function; Has not been previously published as pathogenic or benign to our knowledge; This variant is associated with the following publications: (PMID: 20871615, 19369211)

Women's Health and Genetics/Laboratory Corporation of America, LabCorp
Classification: Uncertain significance. Last evaluated: 2018-09-14. Review status: criteria provided, single submitter. Criteria: LabCorp Variant Classification Summary - May 2015. Collection method: clinical testing. Allele origin: germline.
Comment: Variant summary: PALB2 c.337C>G (p.Pro113Ala) results in a non-conservative amino acid change in the encoded protein sequence. Four of five in-silico tools predict a benign effect of the variant on protein function. The variant was absent in 245456 control chromosomes (gnomAD). The available data on variant occurrences in the general population are insufficient to allow any conclusion about variant significance. To our knowledge, no occurrence of c.337C>G in individuals affected with Hereditary Breast and Ovarian Cancer and no experimental evidence demonstrating its impact on protein function have been reported. Two ClinVar submissions from clinical diagnostic laboratories (evaluation after 2014) cite the variant as uncertain significance. Based on the evidence outlined above, the variant was classified as uncertain significance.

Literature cited by the submitters: PubMed 35171259 (cited by Labcorp Genetics (formerly Invitae), Labcorp).

NM_024675.4(PALB2):c.337C>G (p.Pro113Ala)

Gene: PALB2 (partner and localizer of BRCA2; minus strand). Cytogenetic location: 16p12.2.
Variant type: single nucleotide variant.
Coding change: c.337C>G on transcript NM_024675.4 (MANE Select); coding-DNA position 337, C replaced by G.
Protein change: p.Pro113Ala; replaces proline 113 with alanine.
Molecular consequence: missense variant.
Genome position (GRCh38, 1-based): chr16:23,636,209, G>C on the plus strand (C>G on the coding strand, the complement: PALB2 is on the minus strand). VCF-style: chr16-23636209-G-C. GRCh37 (hg19) VCF-style: chr16-23647530-G-C.
Other names: short protein forms P113A.
Identifiers: ClinVar variation 492219 (VCV000492219.18), dbSNP rs1352495486, ClinGen allele CA395137764.